The following is an entry in ClinVar:

NM_000080.4(CHRNE):c.189+1G>A

Genes: C17orf107 (chromosome 17 open reading frame 107; plus strand), CHRNE (cholinergic receptor nicotinic epsilon subunit; minus strand). Cytogenetic location: 17p13.2.
Variant type: single nucleotide variant.
Coding change: c.189+1G>A on transcript NM_000080.4 (MANE Select); the canonical splice donor site of the intron after coding-DNA position 189, G replaced by A.
Molecular consequence: splice donor variant. On other transcripts: 3 prime UTR variant (1).
Genome position (GRCh38, 1-based): chr17:4,902,620, C>T on the plus strand (G>A on the coding strand, the complement: CHRNE is on the minus strand). VCF-style: chr17-4902620-C-T. GRCh37 (hg19) VCF-style: chr17-4805915-C-T.
Other names: c.*2087C>T (NM_001145536.2); c.189+1G>A (NM_000080.3).
Identifiers: ClinVar variation 1934899 (VCV001934899.6), dbSNP rs1970029155, ClinGen allele CA397307624.
Genomic context (GRCh38, chr17:4,902,620, plus strand): 5'-GCTCAGCGGTTGGGGCCAGAAGTGGGATTTTTGGCTTAAGATGAGGGTGGGGGTAGCTTA[C>T]CAGTGAGATGAGATTCGTCAGGGTGACCTTGAGGCTGATGGTGACAGTATCCTCAGGCTC-3'

ClinVar aggregate classification (germline): Likely pathogenic. Review status: criteria provided, multiple submitters, no conflicts (2 of 4 stars). 2 submissions from 2 submitters: Likely pathogenic (2). Last evaluated 2025-11-05.

Conditions:
Congenital myasthenic syndrome 4A. Also called: MYASTHENIC SYNDROME, CONGENITAL, 4A, SLOW-CHANNEL, AUTOSOMAL RECESSIVE; Myasthenic syndrome, congenital, 4a, slow-channel; CONGENITAL MYASTHENIC SYNDROME TYPE Ia1. Identifiers: Orphanet 590, MedGen C4225413, MONDO:0011600, OMIM 605809.
Congenital myasthenic syndrome (CMS). Also called: Congenital Myasthenic Syndromes. Identifiers: Orphanet 590, MedGen C0751882, MeSH D020294, MONDO:0018940.

Allele frequency attached by ClinVar (database versions not stated): gnomAD exomes below 0.00001; TOPMed 0.00001.
gnomAD v4.1: 3 of 1,614,046 alleles (0.00019%); highest among the groups gnomAD compares: Non-Finnish European, 0.000085%; no homozygotes.

Submissions (2):

Natera, Inc.
Classification: Likely pathogenic for Congenital myasthenic syndrome. Last evaluated: 2025-11-05. Review status: criteria provided, single submitter. Criteria: Natera Variant Classification Schema (03/2026). Collection method: clinical testing. Allele origin: germline.
Comment: The c.189+1G>A variant in CHRNE is a canonical splice donor site variant predicted to affect pre-mRNA splicing, which may result in an abnormal transcript and altered protein product. This variant is expected to result in nonsense mediated decay, truncation, or a dysfunctional protein product. This variant is rare in the general population with a frequency below the threshold expected for the associated phenotype(s). Given the available evidence, this variant is classified as Likely Pathogenic.

Labcorp Genetics (formerly Invitae), Labcorp
Classification: Likely pathogenic for Congenital myasthenic syndrome 4A. Last evaluated: 2025-02-02. Review status: criteria provided, single submitter. Criteria: Invitae Variant Classification Sherloc (09022015). Collection method: clinical testing. Allele origin: germline.
Comment: This sequence change affects a donor splice site in intron 2 of the CHRNE gene. It is expected to disrupt RNA splicing. Variants that disrupt the donor or acceptor splice site typically lead to a loss of protein function (PMID: 16199547), and loss-of-function variants in CHRNE are known to be pathogenic (PMID: 22678886). This variant is not present in population databases (gnomAD no frequency). This variant has not been reported in the literature in individuals affected with CHRNE-related conditions. ClinVar contains an entry for this variant (Variation ID: 1934899). Algorithms developed to predict the effect of sequence changes on RNA splicing suggest that this variant may disrupt the consensus splice site. In summary, the currently available evidence indicates that the variant is pathogenic, but additional data are needed to prove that conclusively. Therefore, this variant has been classified as Likely Pathogenic.

Literature cited by the submitters: PubMed 16199547 (cited by Labcorp Genetics (formerly Invitae), Labcorp); PubMed 22678886 (cited by Labcorp Genetics (formerly Invitae), Labcorp).